The following is an entry in ClinVar:

NM_000501.4(ELN):c.1823C>T (p.Ala608Val)

Gene: ELN (elastin; plus strand). Cytogenetic location: 7q11.23.
Variant type: single nucleotide variant.
Coding change: c.1823C>T on transcript NM_000501.4 (MANE Select); coding-DNA position 1823, C replaced by T.
Protein change: p.Ala608Val; replaces alanine 608 with valine.
Molecular consequence: missense variant.
Genome position (GRCh38, 1-based): chr7:74,063,189, C>T. VCF-style: chr7-74063189-C-T. GRCh37 (hg19) VCF-style: chr7-73477519-C-T.
Other names: c.1736C>T, p.Ala579Val (NM_001081752.3); c.1781C>T, p.Ala594Val (NM_001081753.3); c.1838C>T, p.Ala613Val (NM_001081754.3); c.1766C>T, p.Ala589Val (NM_001081755.3); c.1823C>T, p.Ala608Val (NM_001278912.2); c.1580C>T, p.Ala527Val (NM_001278913.2); c.1751C>T, p.Ala584Val (NM_001278914.2); c.1841C>T, p.Ala614Val (NM_001278915.2); and 4 more; short protein forms A519V, A527V, A560V, A579V, A584V, A589V, A594V, A598V.
Identifiers: ClinVar variation 1699704 (VCV001699704.2), dbSNP rs2132485409, ClinGen allele CA367889434.
Genomic context (GRCh38, chr7:74,063,189, plus strand): 5'-TCATTTTCCCTCCTCTCCCCGCAGGAGCAGCAGTGCCTGGGGTCCTTGGAGGGCTCGGGG[C>T]TCTCGGTGGAGTAGGCATCCCAGGCGGTGTGGTGGGTGAGTTGAAACCCCAGGAGGGGCA-3'
Protein context (NP_000492.2, residues 598-618): AVPGVLGGLG[Ala608Val]LGGVGIPGGV

ClinVar aggregate classification (germline): Uncertain significance (1 of 4 stars; one submission).

Submission:

GeneDx
Classification: Uncertain significance. Last evaluated: 2022-01-27. Review status: criteria provided, single submitter. Criteria: GeneDx Variant Classification Process June 2021. Collection method: clinical testing. Allele origin: germline. Affected: yes.
Comment: Has not been previously published as pathogenic or benign to our knowledge; Not observed at significant frequency in large population cohorts (gnomAD); In silico analysis supports that this missense variant does not alter protein structure/function